The following is an entry in ClinVar:

NM_001005287.2(OR2A1):c.429G>A (p.Leu143=)

Genes: OR2A1 (olfactory receptor family 2 subfamily A member 1; plus strand), OR2A1-AS1 (OR2A1 antisense RNA 1; minus strand). Cytogenetic location: 7q35.
Variant type: single nucleotide variant.
Coding change: c.429G>A on transcript NM_001005287.2 (MANE Select); coding-DNA position 429, G replaced by A.
Protein change: p.Leu143=; no amino-acid change (leucine 143 retained).
Molecular consequence: synonymous variant.
Genome position (GRCh38, 1-based): chr7:144,318,553, G>A. VCF-style: chr7-144318553-G-A. GRCh37 (hg19) VCF-style: chr7-144015646-G-A.
Identifiers: ClinVar variation 3772584 (VCV003772584.13).

ClinVar aggregate classification (germline): Likely benign (1 of 4 stars; one submission).

Submission:

CeGaT Center for Human Genetics Tuebingen
Classification: Likely benign. Last evaluated: 2025-10-01. Review status: criteria provided, single submitter. Criteria: CeGaT Center For Human Genetics Tuebingen Variant Classification Criteria Version 2. Collection method: clinical testing. Allele origin: germline. Affected: yes. Observed: 1 variant allele.
Comment: OR2A1: PM2:Supporting, BP4, BP7